The following is an entry in ClinVar:

NM_201384.3(PLEC):c.4207C>T (p.Arg1403Trp)

Gene: PLEC (plectin; minus strand). Cytogenetic location: 8q24.3.
Variant type: single nucleotide variant.
Coding change: c.4207C>T on transcript NM_201384.3 (MANE Select); coding-DNA position 4207, C replaced by T.
Protein change: p.Arg1403Trp; replaces arginine 1403 with tryptophan.
Molecular consequence: missense variant.
Genome position (GRCh38, 1-based): chr8:143,925,722, G>A on the plus strand (C>T on the coding strand, the complement: PLEC is on the minus strand). VCF-style: chr8-143925722-G-A. GRCh37 (hg19) VCF-style: chr8-144999890-G-A.
Other names: c.4288C>T, p.Arg1430Trp (NM_000445.5); c.4165C>T, p.Arg1389Trp (NM_201378.4); c.4141C>T, p.Arg1381Trp (NM_201379.3); c.4618C>T, p.Arg1540Trp (NM_201380.4); c.4111C>T, p.Arg1371Trp (NM_201381.3); c.4207C>T, p.Arg1403Trp (NM_201382.4); c.4219C>T, p.Arg1407Trp (NM_201383.3); short protein forms R1407W, R1381W, R1403W, R1430W, R1371W, R1389W, R1540W.
Identifiers: ClinVar variation 1407770 (VCV001407770.11), dbSNP rs781962382, ClinGen allele CA4926740.

ClinVar aggregate classification (germline): Uncertain significance (1 of 4 stars; one submission).

Conditions:
Epidermolysis bullosa simplex 5C, with pyloric atresia (EBS5C). Also called: Epidermolysis bullosa simplex with pyloric atresia; PLEC-Related Epidermolysis Bullosa with Pyloric Atresia; PLEC1-Related Epidermolysis Bullosa with Pyloric Atresia. Identifiers: Orphanet 158684, MedGen C2677349, MONDO:0012807, OMIM 612138.
Epidermolysis bullosa simplex with nail dystrophy (EBS5D). Identifiers: MedGen C4225309, MONDO:0014661, OMIM 616487.
Epidermolysis bullosa simplex 5B, with muscular dystrophy (EBS5B). Also called: Epidermolysis bullosa simplex with muscular dystrophy; EPIDERMOLYSIS BULLOSA SIMPLEX AND LIMB-GIRDLE MUSCULAR DYSTROPHY. Identifiers: Orphanet 257, MedGen C2931072, MONDO:0009181, OMIM 226670.
Autosomal recessive limb-girdle muscular dystrophy type 2Q (LGMDR17). Also called: MUSCULAR DYSTROPHY, LIMB-GIRDLE, AUTOSOMAL RECESSIVE 17. Identifiers: Orphanet 254361, MedGen C3150989, MONDO:0013390, OMIM 613723.
Epidermolysis bullosa simplex, Ogna type (EBS5A). Also called: Pidermolysis bullosa simplex 5A, Ogna type; EPIDERMOLYSIS BULLOSA SIMPLEX 5A, OGNA TYPE. Identifiers: Orphanet 79401, MedGen C0432317, MONDO:0007555, OMIM 131950.

Allele frequency attached by ClinVar (database versions not stated): gnomAD exomes 0.00001 and 0.00002; TOPMed 0.00001; ExAC 0.00002; gnomAD 0.00002.
gnomAD v4.1: 22 of 1,595,454 alleles (0.0014%); highest among the groups gnomAD compares: South Asian, 0.0033%; no homozygotes.

Submission:

Labcorp Genetics (formerly Invitae), Labcorp
Classification: Uncertain significance for Autosomal recessive limb-girdle muscular dystrophy type 2Q; Epidermolysis bullosa simplex, Ogna type; Epidermolysis bullosa simplex with nail dystrophy; Epidermolysis bullosa simplex 5C, with pyloric atresia; Epidermolysis bullosa simplex 5B, with muscular dystrophy. Last evaluated: 2022-03-08. Review status: criteria provided, single submitter. Criteria: Invitae Variant Classification Sherloc (09022015). Collection method: clinical testing. Allele origin: germline.
Comment: In summary, the available evidence is currently insufficient to determine the role of this variant in disease. Therefore, it has been classified as a Variant of Uncertain Significance. Algorithms developed to predict the effect of missense changes on protein structure and function are either unavailable or do not agree on the potential impact of this missense change (SIFT: "Deleterious"; PolyPhen-2: "Not Available"; Align-GVGD: "Class C35"). This variant has not been reported in the literature in individuals affected with PLEC-related conditions. This variant is present in population databases (rs781962382, gnomAD 0.008%). This sequence change replaces arginine, which is basic and polar, with tryptophan, which is neutral and slightly polar, at codon 1430 of the PLEC protein (p.Arg1430Trp).